The following is an entry in ClinVar:

ClinVar aggregate classification (germline): Uncertain significance (1 of 4 stars; one submission).

Conditions:
Inborn genetic diseases. Identifiers: MedGen C0950123, MeSH D030342.

gnomAD v4.1: 2 of 1,611,856 alleles (0.00012%); highest among the groups gnomAD compares: East Asian, 0.0045%; no homozygotes.

Submission:

Ambry Genetics
Classification: Uncertain significance for Inborn genetic diseases. Last evaluated: 2025-03-30. Review status: criteria provided, single submitter. Criteria: Ambry Variant Classification Scheme 2023. Collection method: clinical testing. Allele origin: germline.
Comment: The p.D403V variant (also known as c.1208A>T), located in coding exon 14 of the RTEL1 gene, results from an A to T substitution at nucleotide position 1208. The aspartic acid at codon 403 is replaced by valine, an amino acid with highly dissimilar properties. This amino acid position is conserved. In addition, the in silico prediction for this alteration is inconclusive. Based on the available evidence, the clinical significance of this variant remains unclear.

NM_001283009.2(RTEL1):c.1208A>T (p.Asp403Val)

Genes: RTEL1 (regulator of telomere elongation helicase 1; plus strand), RTEL1-TNFRSF6B (RTEL1-TNFRSF6B readthrough (NMD candidate); plus strand). Cytogenetic location: 20q13.33.
Variant type: single nucleotide variant.
Coding change: c.1208A>T on transcript NM_001283009.2 (MANE Select); coding-DNA position 1208, A replaced by T.
Protein change: p.Asp403Val; replaces aspartic acid 403 with valine.
Molecular consequence: missense variant. On other transcripts: non-coding transcript variant (1).
Genome position (GRCh38, 1-based): chr20:63,685,539, A>T. VCF-style: chr20-63685539-A-T. GRCh37 (hg19) VCF-style: chr20-62316892-A-T.
Other names: c.539A>T, p.Asp180Val (NM_001283010.1); c.1208A>T, p.Asp403Val (NM_016434.4); c.1280A>T, p.Asp427Val (NM_032957.5); short protein forms D403V, D427V, D180V.
Identifiers: ClinVar variation 3948273 (VCV003948273.1).